The following is an entry in ClinVar:

ClinVar aggregate classification (germline): Uncertain significance. Review status: criteria provided, multiple submitters, no conflicts (2 of 4 stars). 2 submissions from 2 submitters: Uncertain significance (2). Last evaluated 2024-11-30.

Conditions:
Dystonia 24 (DYT24). Also called: DYT-ANO3. Identifiers: Orphanet 420485, MedGen C3554374, MONDO:0014019, OMIM 615034.
ANO3-related disorder. Also called: ANO3-related condition.

Allele frequency attached by ClinVar (database versions not stated): gnomAD exomes below 0.00001; TOPMed 0.00001.
gnomAD v4.1: 6 of 1,612,152 alleles (0.00037%); highest among the groups gnomAD compares: Non-Finnish European, 0.00042%; no homozygotes.

Submissions (2):

PreventionGenetics, part of Exact Sciences
Classification: Uncertain significance for ANO3-related condition. Last evaluated: 2024-11-30. Review status: criteria provided, single submitter. Criteria: ACMG Guidelines, 2015. Collection method: clinical testing. Allele origin: germline.
Comment: The ANO3 c.1882C>T variant is predicted to result in premature protein termination (p.Arg628*). To our knowledge, this variant has not been reported in the literature. This variant is reported in 0.00088% of alleles in individuals of European (non-Finnish) descent in gnomAD. At this time, the clinical significance of this variant is uncertain due to the absence of conclusive functional and genetic evidence.

Centre for Mendelian Genomics, University Medical Centre Ljubljana
Classification: Uncertain significance for Dystonia 24. Last evaluated: 2020-03-20. Review status: criteria provided, single submitter. Criteria: ACMG Guidelines, 2015. Collection method: clinical testing. Allele origin: unknown. Affected: yes.
Comment: This variant was classified as: Uncertain significance. The available evidence favors the pathogenic nature of this variant, however the currently available data is insufficient to conclusively support its pathogenic nature. Thus this variant is classified as Uncertain significance - favor pathogenic. The following ACMG criteria were applied in classifying this variant: PM2.

NM_031418.4(ANO3):c.1882C>T (p.Arg628Ter)

Gene: ANO3 (anoctamin 3; plus strand). Cytogenetic location: 11p14.2.
Variant type: single nucleotide variant.
Coding change: c.1882C>T on transcript NM_031418.4 (MANE Select); coding-DNA position 1882, C replaced by T.
Protein change: p.Arg628Ter; replaces arginine 628 with a stop codon.
Molecular consequence: nonsense.
Genome position (GRCh38, 1-based): chr11:26,634,212, C>T. VCF-style: chr11-26634212-C-T. GRCh37 (hg19) VCF-style: chr11-26655759-C-T.
Other names: c.2065C>T, p.Arg689Ter (NM_001313726.2); c.1444C>T, p.Arg482Ter (NM_001313727.2); c.1882C>T (NM_031418.3); short protein forms R689*, R482*, R628*.
Identifiers: ClinVar variation 930974 (VCV000930974.4), dbSNP rs1334945680, ClinGen allele CA379933658.